The following is an entry in ClinVar:

NM_198428.3(BBS9):c.2023del (p.Ala675fs)

Gene: BBS9 (Bardet-Biedl syndrome 9; plus strand). Cytogenetic location: 7p14.3.
Variant type: Deletion.
Coding change: c.2023del on transcript NM_198428.3 (MANE Select); coding-DNA position 2023, one base deleted (G; older notation c.2023delG).
Protein change: p.Ala675fs; shifts the reading frame from alanine 675.
Molecular consequence: frameshift variant. On other transcripts: non-coding transcript variant (3).
Genome position (GRCh38, 1-based): chr7:33,388,052, G deleted; the last of 3 consecutive G bases (chr7:33,388,050-33,388,052); deleting any one gives the same sequence. VCF-style (leftmost placement, unchanged base first): chr7-33388049-CG-C. GRCh37 (hg19) VCF-style: chr7-33427661-CG-C.
Other names: c.1918del, p.Ala640fs (NM_001033604.2); c.2008del, p.Ala670fs (NM_001033605.2); c.2023del, p.Ala675fs (NM_001348036.1, NM_001348041.4, NM_001348043.3 and 1 more transcripts); c.1657del, p.Ala553fs (NM_001348037.3, NM_001348045.3, NM_001348046.3); c.1750del, p.Ala584fs (NM_001348038.3); c.1645del, p.Ala549fs (NM_001348039.3); c.1903del, p.Ala635fs (NM_001348040.3, NM_014451.4); c.1888del, p.Ala630fs (NM_001348042.3); and 2 more; short protein forms A630fs, A518fs, A549fs, A553fs, A640fs, A670fs, A675fs, A584fs.
Identifiers: ClinVar variation 2764549 (VCV002764549.3), dbSNP rs2536369378, ClinGen allele CA2697557204.

ClinVar aggregate classification (germline): Pathogenic (1 of 4 stars; one submission).

Conditions:
Bardet-Biedl syndrome (BBS). Identifiers: Orphanet 110, MedGen C0752166, MONDO:0015229.

Submission:

Labcorp Genetics (formerly Invitae), Labcorp
Classification: Pathogenic for Bardet-Biedl syndrome. Last evaluated: 2023-09-30. Review status: criteria provided, single submitter. Criteria: Invitae Variant Classification Sherloc (09022015). Collection method: clinical testing. Allele origin: germline.
Comment: For these reasons, this variant has been classified as Pathogenic. This variant has not been reported in the literature in individuals affected with BBS9-related conditions. This variant is not present in population databases (gnomAD no frequency). This sequence change creates a premature translational stop signal (p.Ala675Profs*7) in the BBS9 gene. It is expected to result in an absent or disrupted protein product. Loss-of-function variants in BBS9 are known to be pathogenic (PMID: 16380913, 20177705).

Literature cited by the submitters: PubMed 16380913; PubMed 20177705.